The following is an entry in ClinVar:

NM_002230.4(JUP):c.1096C>A (p.Pro366Thr)

Gene: JUP (junction plakoglobin; minus strand). Cytogenetic location: 17q21.2.
Variant type: single nucleotide variant.
Coding change: c.1096C>A on transcript NM_002230.4 (MANE Select); coding-DNA position 1096, C replaced by A.
Protein change: p.Pro366Thr; replaces proline 366 with threonine.
Molecular consequence: missense variant.
Genome position (GRCh38, 1-based): chr17:41,764,775, G>T on the plus strand (C>A on the coding strand, the complement: JUP is on the minus strand). VCF-style: chr17-41764775-G-T. GRCh37 (hg19) VCF-style: chr17-39921027-G-T.
Other names: c.1096C>A (NM_002230.2, NM_002230.3); c.1096C>A, p.Pro366Thr (NM_001352773.2, NM_001352774.2, NM_001352775.2 and 3 more transcripts); short protein forms P366T.
Identifiers: ClinVar variation 1368319 (VCV001368319.10), dbSNP rs782690097, ClinGen allele CA8565286.

ClinVar aggregate classification (germline): Uncertain significance. Review status: criteria provided, multiple submitters, no conflicts (2 of 4 stars). 3 submissions from 3 submitters: Uncertain significance (3). Last evaluated 2025-04-09.

Conditions:
Naxos disease (NXD). Also called: KERATOSIS PALMOPLANTARIS WITH ARRHYTHMOGENIC CARDIOMYOPATHY; MAL DE NAXOS; CARDIOMYOPATHY, ARRHYTHMOGENIC RIGHT VENTRICULAR, WITH SKIN, HAIR, AND NAIL ABNORMALITIES; WOOLLY HAIR, PALMOPLANTAR KERATODERMA, AND CARDIAC ABNORMALITIES; PALMOPLANTAR KERATODERMA WITH ARRHYTHMOGENIC RIGHT VENTRICULAR CARDIOMYOPATHY AND WOOLLY HAIR. Identifiers: Orphanet 34217, MedGen C1832600, MONDO:0011017, OMIM 601214.
Arrhythmogenic right ventricular dysplasia 12. Also called: ARRHYTHMOGENIC RIGHT VENTRICULAR DYSPLASIA, FAMILIAL, 12. Identifiers: MedGen C1969081, MONDO:0012684, OMIM 611528.
Cardiovascular phenotype. Identifiers: MedGen CN230736.

Allele frequency attached by ClinVar (database versions not stated): ExAC 0.00001; gnomAD exomes 0.00001.
gnomAD v4.1: 11 of 1,613,686 alleles (0.00068%); highest among the groups gnomAD compares: Non-Finnish European, 0.00076%; no homozygotes.

Submissions (3):

Molecular Diagnostic Laboratory for Inherited Cardiovascular Disease, Montreal Heart Institute
Classification: Uncertain significance for Cardiovascular phenotype. Last evaluated: 2025-04-09. Review status: criteria provided, single submitter. Criteria: ACMG Guidelines, 2015. Collection method: clinical testing. Allele origin: germline. Affected: yes.

Ambry Genetics
Classification: Uncertain significance for Cardiovascular phenotype. Last evaluated: 2022-11-10. Review status: criteria provided, single submitter. Criteria: Ambry Variant Classification Scheme 2023. Collection method: clinical testing. Allele origin: germline.
Comment: The p.P366T variant (also known as c.1096C>A), located in coding exon 6 of the JUP gene, results from a C to A substitution at nucleotide position 1096. The proline at codon 366 is replaced by threonine, an amino acid with highly similar properties. This amino acid position is not well conserved in available vertebrate species. In addition, this alteration is predicted to be tolerated by in silico analysis. Since supporting evidence is limited at this time, the clinical significance of this alteration remains unclear.

Labcorp Genetics (formerly Invitae), Labcorp
Classification: Uncertain significance for Arrhythmogenic right ventricular dysplasia 12; Naxos disease. Last evaluated: 2021-05-31. Review status: criteria provided, single submitter. Criteria: Invitae Variant Classification Sherloc (09022015). Collection method: clinical testing. Allele origin: germline.
Comment: This variant has not been reported in the literature in individuals with JUP-related conditions. This variant is present in population databases (rs782690097, ExAC 0.02%). This sequence change replaces proline with threonine at codon 366 of the JUP protein (p.Pro366Thr). The proline residue is moderately conserved and there is a small physicochemical difference between proline and threonine. Algorithms developed to predict the effect of missense changes on protein structure and function (SIFT, PolyPhen-2, Align-GVGD) all suggest that this variant is likely to be tolerated, but these predictions have not been confirmed by published functional studies and their clinical significance is uncertain. In summary, the available evidence is currently insufficient to determine the role of this variant in disease. Therefore, it has been classified as a Variant of Uncertain Significance.